The following is an entry in ClinVar:

ClinVar aggregate classification (germline): Uncertain significance (1 of 4 stars; one submission).

Submission:

Women's Health and Genetics/Laboratory Corporation of America, LabCorp
Classification: Uncertain significance. Last evaluated: 2024-08-23. Review status: criteria provided, single submitter. Criteria: LabCorp Variant Classification Summary - May 2015. Collection method: clinical testing. Allele origin: germline.
Comment: Variant summary: CTBP1 c.1091G>A (p.Ser364Asn) results in a conservative amino acid change in the encoded protein sequence. Four of five in-silico tools predict a benign effect of the variant on protein function. The variant was absent in 250486 control chromosomes. The available data on variant occurrences in the general population are insufficient to allow any conclusion about variant significance. To our knowledge, no occurrence of c.1091G>A in individuals affected with Hypotonia, Ataxia, Developmental Delay, And Tooth Enamel Defect Syndrome and no experimental evidence demonstrating its impact on protein function have been reported. No submitters have cited clinical-significance assessments for this variant to ClinVar. Based on the evidence outlined above, the variant was classified as uncertain significance.

NM_001012614.2(CTBP1):c.1058G>A (p.Ser353Asn)

Genes: CTBP1 (C-terminal binding protein 1; minus strand), CTBP1-AS (CTBP1 antisense RNA; plus strand). Cytogenetic location: 4p16.3.
Variant type: single nucleotide variant.
Coding change: c.1058G>A on transcript NM_001012614.2 (MANE Select); coding-DNA position 1058, G replaced by A.
Protein change: p.Ser353Asn; replaces serine 353 with asparagine.
Molecular consequence: missense variant.
Genome position (GRCh38, 1-based): chr4:1,212,961, C>T on the plus strand (G>A on the coding strand, the complement: CTBP1 is on the minus strand). VCF-style: chr4-1212961-C-T. GRCh37 (hg19) VCF-style: chr4-1206749-C-T.
Other names: c.1091G>A, p.Ser364Asn (NM_001328.3, NM_001377186.1); c.1058G>A, p.Ser353Asn (NM_001377187.1, NM_001377188.1, NM_001377189.1 and 4 more transcripts); short protein forms S353N, S364N.
Identifiers: ClinVar variation 3366613 (VCV003366613.1).